The following is an entry in ClinVar:

ClinVar aggregate classification (germline): not provided (0 of 4 stars; one submission).

Conditions:
Normal pregnancy. Identifiers: MedGen C0232989.

Submission:

Institute of Molecular and Cell Biology, University of Tartu
No classification provided. Condition: Normal pregnancy. Review status: no classification provided. Collection method: case-control. Allele origin: unknown. Affected: yes. Study: Kasak2014.
Comment: The study aimed to determine the contribution of copy number variants in the genetic etiology of normal and complicated pregnancies. The samples represented (i) maternal blood DNA drawn from healthy pregnant women during 1st or 2nd trimester and (ii) maternal and paternal blood DNA drawn at term pregnancy cases representing normal and complicated gestations (severe preeclampsia, PE; gestational diabetes, GD; small-for-gestational age newborn, SGA; large-for-gestational age newborn, LGA). We performed CNV calling based on genome-wide genotyping dataset (Illumina HumanOmniExpress-24-v1 BeadChip) by applying three algorithms, QuantiSNP, GADA (Genome Alteration Detection Algorithm) and CNstream in parallel. The acquired CNV calls were merged with HD-CNV (Hotspot Detector for Copy Number Variants) program and only the CNVs predicted by at least two programs, were considered in subsequent analysis.

Literature cited by the submitters: PubMed 25666259.

Single allele

Genes: PSG1 (pregnancy specific beta-1-glycoprotein 1; minus strand), PSG11 (pregnancy specific beta-1-glycoprotein 11; minus strand), PSG6 (pregnancy specific beta-1-glycoprotein 6; minus strand), PSG7 (pregnancy specific beta-1-glycoprotein 7; minus strand). Cytogenetic location: 19q13.2-13.31.
Variant type: Deletion.
Identifiers: ClinVar variation 157449 (VCV000157449.2).